The following is an entry in ClinVar:

NM_001854.4(COL11A1):c.4913A>G (p.Tyr1638Cys)

Gene: COL11A1 (collagen type XI alpha 1 chain; minus strand). Cytogenetic location: 1p21.1.
Variant type: single nucleotide variant.
Coding change: c.4913A>G on transcript NM_001854.4 (MANE Select); coding-DNA position 4913, A replaced by G.
Protein change: p.Tyr1638Cys; replaces tyrosine 1638 with cysteine.
Molecular consequence: missense variant. On other transcripts: non-coding transcript variant (1).
Genome position (GRCh38, 1-based): chr1:102,883,257, T>C on the plus strand (A>G on the coding strand, the complement: COL11A1 is on the minus strand). VCF-style: chr1-102883257-T-C. GRCh37 (hg19) VCF-style: chr1-103348813-T-C.
Other names: c.4565A>G, p.Tyr1522Cys (NM_001168249.1, NM_080630.4); c.4796A>G, p.Tyr1599Cys (NM_001190709.2); c.4949A>G, p.Tyr1650Cys (NM_080629.3); short protein forms Y1638C, Y1650C, Y1522C, Y1599C.
Identifiers: ClinVar variation 1920377 (VCV001920377.5), dbSNP rs1650485367, ClinGen allele CA341211562.

ClinVar aggregate classification (germline): Uncertain significance (1 of 4 stars; one submission).

Allele frequency attached by ClinVar (database versions not stated): gnomAD exomes below 0.00001; TOPMed below 0.00001.
gnomAD v4.1: 1 of 1,613,676 alleles (0.000062%); highest among the groups gnomAD compares: Non-Finnish European, 0.000085%; no homozygotes.

Submission:

Labcorp Genetics (formerly Invitae), Labcorp
Classification: Uncertain significance. Last evaluated: 2022-03-12. Review status: criteria provided, single submitter. Criteria: Invitae Variant Classification Sherloc (09022015). Collection method: clinical testing. Allele origin: germline.
Comment: In summary, the available evidence is currently insufficient to determine the role of this variant in disease. Therefore, it has been classified as a Variant of Uncertain Significance. Advanced modeling of protein sequence and biophysical properties (such as structural, functional, and spatial information, amino acid conservation, physicochemical variation, residue mobility, and thermodynamic stability) performed at Invitae indicates that this missense variant is not expected to disrupt COL11A1 protein function. This variant has not been reported in the literature in individuals affected with COL11A1-related conditions. This sequence change replaces tyrosine, which is neutral and polar, with cysteine, which is neutral and slightly polar, at codon 1638 of the COL11A1 protein (p.Tyr1638Cys). This variant is not present in population databases (gnomAD no frequency).